The following is an entry in ClinVar:

ClinVar aggregate classification (germline): Uncertain significance (1 of 4 stars; one submission).

Conditions:
Cardiovascular phenotype. Identifiers: MedGen CN230736.

Submission:

Ambry Genetics
Classification: Uncertain significance for Cardiovascular phenotype. Last evaluated: 2023-04-18. Review status: criteria provided, single submitter. Criteria: Ambry Variant Classification Scheme 2023. Collection method: clinical testing. Allele origin: germline.
Comment: The p.E3970K variant (also known as c.11908G>A), located in coding exon 89 of the RYR2 gene, results from a G to A substitution at nucleotide position 11908. The glutamic acid at codon 3970 is replaced by lysine, an amino acid with similar properties. This amino acid position is highly conserved in available vertebrate species. In addition, this alteration is predicted to be deleterious by in silico analysis. Since supporting evidence is limited at this time, the clinical significance of this alteration remains unclear.

NM_001035.3(RYR2):c.11908G>A (p.Glu3970Lys)

Gene: RYR2 (ryanodine receptor 2; plus strand). Cytogenetic location: 1q43.
Variant type: single nucleotide variant.
Coding change: c.11908G>A on transcript NM_001035.3 (MANE Select); coding-DNA position 11908, G replaced by A.
Protein change: p.Glu3970Lys; replaces glutamic acid 3970 with lysine.
Molecular consequence: missense variant.
Genome position (GRCh38, 1-based): chr1:237,781,592, G>A. VCF-style: chr1-237781592-G-A. GRCh37 (hg19) VCF-style: chr1-237944892-G-A.
Other names: short protein forms E3970K.
Identifiers: ClinVar variation 2568259 (VCV002568259.2), dbSNP rs2149344856, ClinGen allele CA345410087.